The following is an entry in ClinVar:

NM_006904.7(PRKDC):c.3379T>A (p.Cys1127Ser)

Gene: PRKDC (protein kinase, DNA-activated, catalytic subunit; minus strand). Cytogenetic location: 8q11.21.
Variant type: single nucleotide variant.
Coding change: c.3379T>A on transcript NM_006904.7 (MANE Select); coding-DNA position 3379, T replaced by A.
Protein change: p.Cys1127Ser; replaces cysteine 1127 with serine.
Molecular consequence: missense variant.
Genome position (GRCh38, 1-based): chr8:47,898,555, A>T on the plus strand (T>A on the coding strand, the complement: PRKDC is on the minus strand). VCF-style: chr8-47898555-A-T. GRCh37 (hg19) VCF-style: chr8-48811115-A-T.
Other names: c.3379T>A, p.Cys1127Ser (NM_001081640.2); short protein forms C1127S.
Identifiers: ClinVar variation 1730791 (VCV001730791.2), dbSNP rs2551874982, ClinGen allele CA371154848.
Genomic context (GRCh38, chr8:47,898,555, plus strand): 5'-TATTTAAAGAAACATGCTTCTTTTCAATGATGCGGCATAGGTGATCAATGGCATCACAAC[A>T]CTGTTGAATTGTACCTGTTCTCAAGTACAGAGACATATTTCCAAAGAAGGCATATATAGC-3'
Protein context (NP_008835.5, residues 1117-1137): DEKSLGTIQQ[Cys1127Ser]CDAIDHLCRI

ClinVar aggregate classification (germline): Uncertain significance (1 of 4 stars; one submission).

Submission:

Ambry Genetics
Classification: Uncertain significance. Last evaluated: 2022-04-27. Review status: criteria provided, single submitter. Criteria: Ambry Variant Classification Scheme 2023. Collection method: clinical testing. Allele origin: germline.
Comment: The p.C1127S variant (also known as c.3379T>A), located in coding exon 29 of the PRKDC gene, results from a T to A substitution at nucleotide position 3379. The cysteine at codon 1127 is replaced by serine, an amino acid with dissimilar properties. This amino acid position is conserved. In addition, the in silico prediction for this alteration is inconclusive. Since supporting evidence is limited at this time, the clinical significance of this alteration remains unclear.